The following is an entry in ClinVar:

ClinVar aggregate classification (germline): Uncertain significance. Review status: criteria provided, multiple submitters, no conflicts (2 of 4 stars). 5 submissions from 5 submitters: Uncertain significance (5). Last evaluated 2025-07-15.

Conditions:
Congenital myopathy with fiber type disproportion. Also called: Congenital fiber-type disproportion myopathy; Congenital fiber-type disproportion. Identifiers: Orphanet 2020, MedGen C0546264, MONDO:0009711. Inheritance: all.
Congenital multicore myopathy with external ophthalmoplegia (CMYO1B). Also called: MULTICORE MYOPATHY; Minicore myopathy with external ophthalmoplegia; Congenital myopathy 1B, autosomal recessive; Minicore myopathy; MULTIMINICORE DISEASE WITH EXTERNAL OPHTHALMOPLEGIA. Identifiers: Orphanet 598, Orphanet 98905, MedGen C1850674, MONDO:0009712, OMIM 255320, HP:0003789.
King Denborough syndrome (KDS). Identifiers: MedGen C1840365, MONDO:0020485, OMIM 619542.
Malignant hyperthermia, susceptibility to, 1 (MHS1). Also called: Anesthesia related hyperthermia; Malignant hyperpyrexia; Fulminating hyperpyrexia; Pharmacogenic myopathy; RYR1-Related Malignant Hyperthermia Susceptibility; Malignant hyperthermia suceptibility 1. Identifiers: Orphanet 423, MedGen C2930980, MONDO:0007783, OMIM 145600.
Central core myopathy (CMYO1A). Also called: CONGENITAL MYOPATHY 1A, AUTOSOMAL DOMINANT, WITH SUSCEPTIBILITY TO MALIGNANT HYPERTHERMIA; Central core disease; Myopathy, central fibrillar. Identifiers: Orphanet 597, MedGen C5830701, MONDO:0007294, OMIM 117000.
RYR1-related disorder. Also called: RYR1-related condition; RYR1-related disorders. Identifiers: MedGen CN239331.

Allele frequency attached by ClinVar (database versions not stated): gnomAD 0.00001; gnomAD exomes 0.00003 and 0.00005; TOPMed 0.00003; ESP Exome Variant Server 0.00008; ExAC 0.00020.
gnomAD v4.1: 50 of 1,578,694 alleles (0.0032%); highest among the groups gnomAD compares: Middle Eastern, 0.033%; no homozygotes.

Submissions (5):

Color Diagnostics, LLC DBA Color Health
Classification: Uncertain significance for Malignant hyperthermia, susceptibility to, 1. Last evaluated: 2025-07-15. Review status: criteria provided, single submitter. Criteria: ACMG Guidelines, 2015. Collection method: clinical testing. Allele origin: germline.
Comment: This missense variant replaces threonine with methionine at codon 957 of the RYR1 protein. Computational prediction is inconclusive regarding the impact of this variant on protein structure and function. To our knowledge, functional studies have not been reported for this variant. This variant has not been reported in individuals affected with malignant hyperthermia in the literature. This variant has been identified in 11/225160 chromosomes in the general population by the Genome Aggregation Database (gnomAD). The available evidence is insufficient to determine the role of this variant in disease conclusively. Therefore, this variant is classified as a Variant of Uncertain Significance.

PreventionGenetics, part of Exact Sciences
Classification: Uncertain significance for RYR1-related condition. Last evaluated: 2025-05-01. Review status: criteria provided, single submitter. Criteria: ACMG Guidelines, 2015. Collection method: clinical testing. Allele origin: germline.
Comment: The RYR1 c.2870C>T variant is predicted to result in the amino acid substitution p.Thr957Met. To our knowledge, this variant has not been reported in the literature. This variant is reported in 0.0061% of alleles in individuals of European (Non-Finnish) descent in gnomAD. At this time, the clinical significance of this variant is uncertain due to the absence of conclusive functional and genetic evidence.

All of Us Research Program, National Institutes of Health
Classification: Uncertain significance for Malignant hyperthermia, susceptibility to, 1. Last evaluated: 2023-11-30. Review status: criteria provided, single submitter. Criteria: ACMG Guidelines, 2015. Collection method: clinical testing. Allele origin: germline. Inheritance: Autosomal dominant inheritance. Observed: 12 variant alleles, 12 heterozygotes.
Comment: This missense variant replaces threonine with methionine at codon 957 of the RYR1 protein. Computational prediction is inconclusive regarding the impact of this variant on protein structure and function (internally defined REVEL score threshold 0.5 < inconclusive < 0.7, PMID: 27666373). To our knowledge, functional studies have not been reported for this variant. This variant has not been reported in individuals affected with malignant hyperthermia in the literature. This variant has been identified in 11/225160 chromosomes in the general population by the Genome Aggregation Database (gnomAD). The available evidence is insufficient to determine the role of this variant in disease conclusively. Therefore, this variant is classified as a Variant of Uncertain Significance.

This study involves interpretation of variants in research participants for the purpose of population health screening. Participant phenotype was not available at the time of variant classification. Additional details can be found in publication PMID: 35346344, PMCID: PMC8962531

Labcorp Genetics (formerly Invitae), Labcorp
Classification: Uncertain significance for RYR1-related disorder. Last evaluated: 2022-04-10. Review status: criteria provided, single submitter. Criteria: Invitae Variant Classification Sherloc (09022015). Collection method: clinical testing. Allele origin: germline.
Comment: This sequence change replaces threonine, which is neutral and polar, with methionine, which is neutral and non-polar, at codon 957 of the RYR1 protein (p.Thr957Met). This variant is present in population databases (rs201827275, gnomAD 0.01%). This variant has not been reported in the literature in individuals affected with RYR1-related conditions. ClinVar contains an entry for this variant (Variation ID: 946498). Algorithms developed to predict the effect of missense changes on protein structure and function are either unavailable or do not agree on the potential impact of this missense change (SIFT: "Deleterious"; PolyPhen-2: "Probably Damaging"; Align-GVGD: "Class C0"). Algorithms developed to predict the effect of sequence changes on RNA splicing suggest that this variant may disrupt the consensus splice site. In summary, the available evidence is currently insufficient to determine the role of this variant in disease. Therefore, it has been classified as a Variant of Uncertain Significance.

Fulgent Genetics
Classification: Uncertain significance for Central core myopathy; Malignant hyperthermia, susceptibility to, 1; Congenital myopathy 4A, autosomal dominant; Congenital multicore myopathy with external ophthalmoplegia; King Denborough syndrome. Last evaluated: 2021-09-01. Review status: criteria provided, single submitter. Criteria: ACMG Guidelines, 2015. Collection method: clinical testing. Allele origin: unknown.

NM_000540.3(RYR1):c.2870C>T (p.Thr957Met)

Gene: RYR1 (ryanodine receptor 1; plus strand). Cytogenetic location: 19q13.2.
Variant type: single nucleotide variant.
Coding change: c.2870C>T on transcript NM_000540.3 (MANE Select); coding-DNA position 2870, C replaced by T.
Protein change: p.Thr957Met; replaces threonine 957 with methionine.
Molecular consequence: missense variant.
Genome position (GRCh38, 1-based): chr19:38,464,722, C>T. VCF-style: chr19-38464722-C-T. GRCh37 (hg19) VCF-style: chr19-38955362-C-T.
Other names: c.2870C>T, p.Thr957Met (NM_001042723.2); short protein forms T957M.
Identifiers: ClinVar variation 946498 (VCV000946498.11), dbSNP rs201827275, ClinGen allele CA064135.